The following is an entry in ClinVar:

ClinVar aggregate classification (germline): Uncertain significance (1 of 4 stars; one submission).

Conditions:
POLD1-related polyposis and colorectal cancer syndrome (CRCS10). Also called: Colorectal cancer, susceptibility to, 10; Colorectal cancer 10; COLORECTAL CANCER, SUSCEPTIBILITY TO, ON CHROMOSOME 19q. Identifiers: Orphanet 220460, MedGen C2675481, MONDO:0012953, OMIM 612591.

Allele frequency attached by ClinVar (database versions not stated): ExAC 0.00001; gnomAD exomes 0.00001; TOPMed 0.00002.
gnomAD v4.1: 16 of 1,612,746 alleles (0.00099%); highest among the groups gnomAD compares: Admixed American, 0.0017%; no homozygotes.

Submission:

Labcorp Genetics (formerly Invitae), Labcorp
Classification: Uncertain significance for POLD1-related polyposis and colorectal cancer syndrome. Last evaluated: 2025-07-14. Review status: criteria provided, single submitter. Criteria: Invitae Variant Classification Sherloc (09022015). Collection method: clinical testing. Allele origin: germline.
Comment: This sequence change replaces valine, which is neutral and non-polar, with methionine, which is neutral and non-polar, at codon 572 of the POLD1 protein (p.Val572Met). This variant is present in population databases (rs775434361, gnomAD 0.002%). This variant has not been reported in the literature in individuals affected with POLD1-related conditions. ClinVar contains an entry for this variant (Variation ID: 652271). Invitae Evidence Modeling of protein sequence and biophysical properties (such as structural, functional, and spatial information, amino acid conservation, physicochemical variation, residue mobility, and thermodynamic stability) indicates that this missense variant is not expected to disrupt POLD1 protein function with a negative predictive value of 80%. In summary, the available evidence is currently insufficient to determine the role of this variant in disease. Therefore, it has been classified as a Variant of Uncertain Significance.

NM_002691.4(POLD1):c.1714G>A (p.Val572Met)

Gene: POLD1 (DNA polymerase delta 1, catalytic subunit; plus strand). Cytogenetic location: 19q13.33.
Variant type: single nucleotide variant.
Coding change: c.1714G>A on transcript NM_002691.4 (MANE Select); coding-DNA position 1714, G replaced by A.
Protein change: p.Val572Met; replaces valine 572 with methionine.
Molecular consequence: missense variant. On other transcripts: non-coding transcript variant (1).
Genome position (GRCh38, 1-based): chr19:50,407,354, G>A. VCF-style: chr19-50407354-G-A. GRCh37 (hg19) VCF-style: chr19-50910611-G-A.
Other names: c.1714G>A, p.Val572Met (NM_001256849.1, NM_001308632.1); short protein forms V572M.
Identifiers: ClinVar variation 652271 (VCV000652271.8), dbSNP rs775434361, ClinGen allele CA9596241.
Genomic context (GRCh38, chr19:50,407,354, plus strand): 5'-ACCCACTCCATTTCCCACCTTCTCCCCTCCCAGGCCATGCACGAGGGGCTGCTGATGCCC[G>A]TGGTGAAGTCAGAGGGCGGCGAGGACTACACGGGAGCCACTGTCATCGAGCCCCTCAAAG-3'
Protein context (NP_002682.2, residues 562-582): QAMHEGLLMP[Val572Met]VKSEGGEDYT